The following is an entry in ClinVar:

ClinVar aggregate classification (germline): Uncertain significance (1 of 4 stars; one submission).

Allele frequency attached by ClinVar (database versions not stated): gnomAD exomes 0.00001; TOPMed 0.00001; gnomAD 0.00003; ExAC 0.00005.
gnomAD v4.1: 19 of 1,586,568 alleles (0.0012%); highest among the groups gnomAD compares: South Asian, 0.0034%; no homozygotes.

Submission:

Labcorp Genetics (formerly Invitae), Labcorp
Classification: Uncertain significance. Last evaluated: 2024-12-02. Review status: criteria provided, single submitter. Criteria: Invitae Variant Classification Sherloc (09022015). Collection method: clinical testing. Allele origin: germline.
Comment: This sequence change replaces arginine, which is basic and polar, with histidine, which is basic and polar, at codon 192 of the FSCN2 protein (p.Arg192His). The frequency data for this variant in the population databases is considered unreliable, as metrics indicate poor data quality at this position in the gnomAD database. This variant has not been reported in the literature in individuals affected with FSCN2-related conditions. ClinVar contains an entry for this variant (Variation ID: 2147489). An algorithm developed to predict the effect of missense changes on protein structure and function (PolyPhen-2) suggests that this variant is likely to be disruptive. In summary, the available evidence is currently insufficient to determine the role of this variant in disease. Therefore, it has been classified as a Variant of Uncertain Significance.

NM_012418.4(FSCN2):c.575G>A (p.Arg192His)

Gene: FSCN2 (fascin actin-bundling protein 2, retinal; plus strand). Cytogenetic location: 17q25.3.
Variant type: single nucleotide variant.
Coding change: c.575G>A on transcript NM_012418.4 (MANE Select); coding-DNA position 575, G replaced by A.
Protein change: p.Arg192His; replaces arginine 192 with histidine.
Molecular consequence: missense variant.
Genome position (GRCh38, 1-based): chr17:81,529,106, G>A. VCF-style: chr17-81529106-G-A. GRCh37 (hg19) VCF-style: chr17-79496132-G-A.
Other names: c.575G>A, p.Arg192His (NM_001077182.3); short protein forms R192H.
Identifiers: ClinVar variation 2147489 (VCV002147489.4), dbSNP rs782769404, ClinGen allele CA8836720.
Genomic context (GRCh38, chr17:81,529,106, plus strand): 5'-ACGCCCTCCTCACCCTCATCTTCCGGAGCCGACGGTACTGCCTCAAGTCCTGTGACAGCC[G>A]CTACCTGCGCAGCGACGGCCGTCTGGTCTGGGAGCCTGAGCCCCGTGCCTGCTACACGCT-3'
Protein context (NP_036550.1, residues 182-202): RRYCLKSCDS[Arg192His]YLRSDGRLVW